The following is an entry in ClinVar:

NM_012243.3(SLC35A3):c.529dup (p.Met177fs)

Gene: SLC35A3 (solute carrier family 35 member A3; plus strand). Cytogenetic location: 1p21.2.
Variant type: Duplication.
Coding change: c.529dup on transcript NM_012243.3 (MANE Select); coding-DNA position 529, one base duplicated (A; older notation c.529dupA).
Protein change: p.Met177fs; shifts the reading frame from methionine 177.
Molecular consequence: frameshift variant.
Genome position (GRCh38, 1-based): chr1:100,011,428, A duplicated. VCF-style (leftmost placement, unchanged base first): chr1-100011427-C-CA. GRCh37 (hg19) VCF-style: chr1-100476983-C-CA.
Other names: c.529dup, p.Met177fs (NM_001271684.2, NM_001438725.1, NM_001438728.1); c.655dup, p.Met219fs (NM_001271685.2); c.406dup, p.Met136fs (NM_001437713.1, NM_001437717.1, NM_001438729.1); short protein forms M136fs, M177fs, M219fs.
Identifiers: ClinVar variation 4815559 (VCV004815559.1).
Genomic context (GRCh38, chr1:100,011,427, plus strand): 5'-GCCCTCAGATTCTCAGCTTGATTCTAAGGAACTTTCAGCTGGTTCTCAATTTGTAGGACT[C>CA]ATGGCAGTTCTCACAGCATGTTTTTCAAGTGGCTTTGCTGGGGTTTACTTTGAGAAAATC-3'

ClinVar aggregate classification (germline): Likely pathogenic (1 of 4 stars; one submission).

Conditions:
Autism spectrum disorder - epilepsy - arthrogryposis syndrome (AMRS). Identifiers: Orphanet 370943, MedGen C3809910, MONDO:0014248, OMIM 615553.

Submission:

Natera, Inc.
Classification: Likely pathogenic for Arthrogryposis, mental retardation, and seizures. Last evaluated: 2024-07-15. Review status: criteria provided, single submitter. Criteria: Natera Variant Classification Schema (03/2026). Collection method: clinical testing. Allele origin: germline.
Comment: The c.529dup variant in SLC35A3 is a frameshift variant predicted to shift the reading frame beginning at codon 177 and leads to a stop codon 18 codons downstream. This variant is expected to result in nonsense mediated decay, truncation, or a dysfunctional protein product. This variant is rare in the general population with a frequency below the threshold expected for the associated phenotype(s). Given the available evidence, this variant is classified as Likely Pathogenic.